The following is an entry in ClinVar:

ClinVar aggregate classification (germline): Pathogenic (1 of 4 stars; one submission).

Conditions:
Myeloperoxidase deficiency (MPOD). Also called: MPO DEFICIENCY; Myeloperoxidase deficiency syndrome. Identifiers: Orphanet 2587, MedGen C0398595, MONDO:0009694, OMIM 254600.

Submission:

Institute of Human Genetics, University of Leipzig Medical Center
Classification: Pathogenic for Myeloperoxidase deficiency. Last evaluated: 2026-04-27. Review status: criteria provided, single submitter. Criteria: ACMG Guidelines, 2015. Collection method: clinical testing. Allele origin: unknown. Inheritance: Autosomal recessive inheritance. Affected: yes.
Comment: Criteria applied: PVS1,PM2

NM_000250.2(MPO):c.625_626del (p.Leu209fs)

Gene: MPO (myeloperoxidase; minus strand). Cytogenetic location: 17q22.
Variant type: Microsatellite.
Coding change: c.625_626del on transcript NM_000250.2 (MANE Select); coding-DNA positions 625 to 626, 2 bases deleted (CT; older notation c.625_626delCT).
Protein change: p.Leu209fs; shifts the reading frame from leucine 209.
Molecular consequence: frameshift variant.
Genome position (GRCh38, 1-based): chr17:58,279,349-58,279,350, AG deleted on the plus strand (CT on the coding strand, the reverse complement: MPO is on the minus strand); deleting any 2 consecutive bases within chr17:58,279,349-58,279,355 gives the same sequence; the c. name uses the placement nearest the transcript's 3' end. VCF-style (leftmost placement, unchanged base first): chr17-58279348-AAG-A. GRCh37 (hg19) VCF-style: chr17-56356709-AAG-A.
Other names: short protein forms L209fs.
Identifiers: ClinVar variation 4857469 (VCV004857469.1).